The following is an entry in ClinVar:

ClinVar aggregate classification (germline): Uncertain significance (1 of 4 stars; one submission).

Conditions:
Early Myoclonic Encephalopathy. Identifiers: MedGen C0270855.

Submission:

Labcorp Genetics (formerly Invitae), Labcorp
Classification: Uncertain significance for Early Myoclonic Encephalopathy. Last evaluated: 2021-07-13. Review status: criteria provided, single submitter. Criteria: Invitae Variant Classification Sherloc (09022015). Collection method: clinical testing. Allele origin: germline.
Comment: This sequence change replaces alanine with threonine at codon 382 of the KCND2 protein (p.Ala382Thr). The alanine residue is highly conserved and there is a small physicochemical difference between alanine and threonine. This variant is not present in population databases (ExAC no frequency). This variant has not been reported in the literature in individuals with KCND2-related conditions. Advanced modeling of protein sequence and biophysical properties (such as structural, functional, and spatial information, amino acid conservation, physicochemical variation, residue mobility, and thermodynamic stability) performed at Invitae indicates that this missense variant is not expected to disrupt KCND2 protein function. In summary, the available evidence is currently insufficient to determine the role of this variant in disease. Therefore, it has been classified as a Variant of Uncertain Significance.

NM_012281.3(KCND2):c.1144G>A (p.Ala382Thr)

Gene: KCND2 (potassium voltage-gated channel subfamily D member 2; plus strand). Cytogenetic location: 7q31.31.
Variant type: single nucleotide variant.
Coding change: c.1144G>A on transcript NM_012281.3 (MANE Select); coding-DNA position 1144, G replaced by A.
Protein change: p.Ala382Thr; replaces alanine 382 with threonine.
Molecular consequence: missense variant.
Genome position (GRCh38, 1-based): chr7:120,732,931, G>A. VCF-style: chr7-120732931-G-A. GRCh37 (hg19) VCF-style: chr7-120372985-G-A.
Other names: short protein forms A382T.
Identifiers: ClinVar variation 1346462 (VCV001346462.6), dbSNP rs2116146471, ClinGen allele CA369134036.